The following is an entry in ClinVar:

NM_000548.5(TSC2):c.2838-124G>A

Gene: TSC2 (TSC complex subunit 2; plus strand). Cytogenetic location: 16p13.3.
Variant type: single nucleotide variant.
Coding change: c.2838-124G>A on transcript NM_000548.5 (MANE Select); 124 bases into the intron before coding-DNA position 2838, G replaced by A.
Molecular consequence: intron variant.
Genome position (GRCh38, 1-based): chr16:2,077,474, G>A. VCF-style: chr16-2077474-G-A. GRCh37 (hg19) VCF-style: chr16-2127475-G-A.
Other names: c.2838-124G>A (NM_000548.4, NM_001114382.3, NM_001406663.1 and 1 more transcripts); c.1493+889G>A (NM_001406693.1, NM_001406690.1, NM_001406692.1 and 5 more transcripts); c.2927+889G>A (NM_001406667.1, NM_001406668.1); c.2238-124G>A (NM_001406680.1, NM_001406683.1, NM_001406682.1 and 1 more transcripts); c.2237+889G>A (NM_001406687.1, NM_001406685.1, NM_001318831.2 and 2 more transcripts); c.1494-124G>A (NM_001406689.1); c.1235+889G>A (NM_001406698.1); c.2837+889G>A (NM_021055.3, NM_001370405.1, NM_001363528.2 and 3 more transcripts); and 8 more.
Identifiers: ClinVar variation 4927453 (VCV004927453.2).

ClinVar aggregate classification (germline): Likely benign. Review status: criteria provided, multiple submitters, no conflicts (2 of 4 stars). 2 submissions from 2 submitters: Likely benign (2). Last evaluated 2026-06-08.

Conditions:
TSC2-related disorder. Also called: TSC2-related condition; TSC2-Related Disorders.

gnomAD v4.1: 32 of 1,454,146 alleles (0.0022%); highest among the groups gnomAD compares: South Asian, 0.0093%; 1 homozygote.

Submissions (2):

PreventionGenetics, part of Exact Sciences
Classification: Likely benign for TSC2-related condition. Last evaluated: 2026-06-08. Review status: criteria provided, single submitter. Criteria: ACMG Guidelines, 2015. Collection method: clinical testing. Allele origin: germline.
Comment: This variant is classified as likely benign based on ACMG/AMP sequence variant interpretation guidelines (Richards et al. 2015 PMID: 25741868, with internal and published modifications).

Blueprint Genetics
Classification: Likely benign. Last evaluated: 2024-05-16. Review status: criteria provided, single submitter. Criteria: ACMG Guidelines, 2015. Collection method: clinical testing. Allele origin: germline.